The following is an entry in ClinVar:

ClinVar aggregate classification (germline): Likely benign. Review status: criteria provided, multiple submitters, no conflicts (2 of 4 stars). 3 submissions from 3 submitters: Likely benign (2). 1 of the submissions does not count toward it. Last evaluated 2026-05-04.

Conditions:
WNT1-related disorder. Also called: WNT1-related condition.

Allele frequency attached by ClinVar (database versions not stated): gnomAD exomes 0.00001 and 0.00003; gnomAD 0.00010 and 0.00011; ExAC 0.00004; TOPMed 0.00013.

Submissions (3):

Women's Health and Genetics/Laboratory Corporation of America, LabCorp
Classification: Likely benign. Last evaluated: 2026-05-04. Review status: criteria provided, single submitter. Criteria: LabCorp Variant Classification Summary - May 2015. Collection method: clinical testing. Allele origin: germline.

Labcorp Genetics (formerly Invitae), Labcorp
Classification: Likely benign. Last evaluated: 2026-01-21. Review status: criteria provided, single submitter. Criteria: Invitae Variant Classification Sherloc (09022015). Collection method: clinical testing. Allele origin: germline.

PreventionGenetics, part of Exact Sciences
Classification: Likely benign for WNT1-related condition. Last evaluated: 2019-07-30. Review status: no assertion criteria provided. Collection method: clinical testing. Allele origin: germline. Not counted in ClinVar's aggregate classification.
Comment: This variant is classified as likely benign based on ACMG/AMP sequence variant interpretation guidelines (Richards et al. 2015 PMID: 25741868, with internal and published modifications).

NM_005430.4(WNT1):c.318T>C (p.Thr106=)

Gene: WNT1 (Wnt family member 1; plus strand). Cytogenetic location: 12q13.12.
Variant type: single nucleotide variant.
Coding change: c.318T>C on transcript NM_005430.4 (MANE Select); coding-DNA position 318, T replaced by C.
Protein change: p.Thr106=; no amino-acid change (threonine 106 retained).
Molecular consequence: synonymous variant.
Genome position (GRCh38, 1-based): chr12:48,979,681, T>C. VCF-style: chr12-48979681-T-C. GRCh37 (hg19) VCF-style: chr12-49373464-T-C.
Other names: c.318T>C (NM_005430.3).
Identifiers: ClinVar variation 1586536 (VCV001586536.11), dbSNP rs376541009, ClinGen allele CA6544360.